The following is an entry in ClinVar:

ClinVar aggregate classification (germline): Likely benign (0 of 4 stars; one submission).

Conditions:
SLC10A1-related disorder. Also called: SLC10A1-related condition.

Allele frequency attached by ClinVar (database versions not stated): gnomAD 0.00005; ESP Exome Variant Server 0.00015.
gnomAD v4.1: 88 of 1,613,854 alleles (0.0055%); highest among the groups gnomAD compares: Non-Finnish European, 0.0046%; no homozygotes.

Submission:

PreventionGenetics, part of Exact Sciences
Classification: Likely benign for SLC10A1-related condition. Last evaluated: 2023-01-24. Review status: no assertion criteria provided. Collection method: clinical testing. Allele origin: germline.
Comment: This variant is classified as likely benign based on ACMG/AMP sequence variant interpretation guidelines (Richards et al. 2015 PMID: 25741868, with internal and published modifications).

NM_003049.4(SLC10A1):c.618T>C (p.Ser206=)

Gene: SLC10A1 (solute carrier family 10 member 1; minus strand). Cytogenetic location: 14q24.1.
Variant type: single nucleotide variant.
Coding change: c.618T>C on transcript NM_003049.4 (MANE Select); coding-DNA position 618, T replaced by C.
Protein change: p.Ser206=; no amino-acid change (serine 206 retained).
Molecular consequence: synonymous variant.
Genome position (GRCh38, 1-based): chr14:69,779,310, A>G on the plus strand (T>C on the coding strand, the complement: SLC10A1 is on the minus strand). VCF-style: chr14-69779310-A-G. GRCh37 (hg19) VCF-style: chr14-70246027-A-G.
Identifiers: ClinVar variation 3047134 (VCV003047134.2), dbSNP rs375859965, ClinGen allele CA7246069.